The following is an entry in ClinVar:

NM_001271.4(CHD2):c.4714G>A (p.Val1572Met)

Gene: CHD2 (chromodomain helicase DNA binding protein 2; plus strand). Cytogenetic location: 15q26.1.
Variant type: single nucleotide variant.
Coding change: c.4714G>A on transcript NM_001271.4 (MANE Select); coding-DNA position 4714, G replaced by A.
Protein change: p.Val1572Met; replaces valine 1572 with methionine.
Molecular consequence: missense variant.
Genome position (GRCh38, 1-based): chr15:93,014,717, G>A. VCF-style: chr15-93014717-G-A. GRCh37 (hg19) VCF-style: chr15-93557947-G-A.
Other names: short protein forms V1572M.
Identifiers: ClinVar variation 962663 (VCV000962663.10), dbSNP rs755267457, ClinGen allele CA7748542.

ClinVar aggregate classification (germline): Uncertain significance (1 of 4 stars; one submission).

Conditions:
Developmental and epileptic encephalopathy 94 (DEE94). Also called: Epileptic encephalopathy, childhood-onset; CHD2-Related Neurodevelopmental Disorders. Identifiers: Orphanet 1942, Orphanet 2382, MedGen C3809278, MONDO:0014150, OMIM 615369.

Allele frequency attached by ClinVar (database versions not stated): TOPMed below 0.00001; gnomAD exomes 0.00001; ExAC 0.00002.
gnomAD v4.1: 17 of 1,614,062 alleles (0.0011%); highest among the groups gnomAD compares: East Asian, 0.0022%; no homozygotes.

Submission:

Labcorp Genetics (formerly Invitae), Labcorp
Classification: Uncertain significance for Developmental and epileptic encephalopathy 94. Last evaluated: 2025-04-29. Review status: criteria provided, single submitter. Criteria: Invitae Variant Classification Sherloc (09022015). Collection method: clinical testing. Allele origin: germline.
Comment: This sequence change replaces valine, which is neutral and non-polar, with methionine, which is neutral and non-polar, at codon 1572 of the CHD2 protein (p.Val1572Met). This variant is present in population databases (rs755267457, gnomAD 0.003%). This variant has not been reported in the literature in individuals affected with CHD2-related conditions. ClinVar contains an entry for this variant (Variation ID: 962663). Invitae Evidence Modeling of protein sequence and biophysical properties (such as structural, functional, and spatial information, amino acid conservation, physicochemical variation, residue mobility, and thermodynamic stability) indicates that this missense variant is not expected to disrupt CHD2 protein function with a negative predictive value of 95%. In summary, the available evidence is currently insufficient to determine the role of this variant in disease. Therefore, it has been classified as a Variant of Uncertain Significance.